The following is an entry in ClinVar:

ClinVar aggregate classification (germline): Pathogenic. Review status: criteria provided, multiple submitters, no conflicts (2 of 4 stars). 3 submissions from 3 submitters: Pathogenic (3). Last evaluated 2025-10-04.

Conditions:
Hereditary cancer-predisposing syndrome. Also called: Tumor predisposition; Hereditary neoplastic syndrome; Neoplastic Syndromes, Hereditary; Hereditary Cancer Syndrome. Identifiers: Orphanet 140162, MedGen C0027672, MeSH D009386, MONDO:0015356.
Hereditary nonpolyposis colorectal neoplasms. Identifiers: MedGen C0009405, MeSH D003123.
Lynch syndrome 4 (LYNCH4). Also called: Hereditary non-polyposis colorectal cancer, type 4; Colorectal cancer, hereditary nonpolyposis, type 4. Identifiers: Orphanet 144, MedGen C1838333, MONDO:0013699, OMIM 614337. Disease mechanism: loss of function.

Submissions (3):

Ambry Genetics
Classification: Pathogenic for Hereditary cancer-predisposing syndrome. Last evaluated: 2025-10-04. Review status: criteria provided, single submitter. Criteria: Ambry Variant Classification Scheme 2023. Collection method: clinical testing. Allele origin: germline.
Comment: The p.M1I pathogenic mutation (also known as c.3G>T), located in coding exon 1 of the PMS2 gene, results from a G to T substitution at nucleotide position 3. This alters the methionine residue at the initiation codon (ATG). This variant is considered to be rare based on population cohorts in the Genome Aggregation Database (gnomAD). This amino acid position is highly conserved in available vertebrate species. Sequence variations that modify the initiation codon are expected to result in either loss of translation initiation, N-terminal truncation, or cause a shift in the mRNA reading frame. Based on the supporting evidence, this variant is interpreted as a disease-causing mutation.

Labcorp Genetics (formerly Invitae), Labcorp
Classification: Pathogenic for Hereditary nonpolyposis colorectal neoplasms. Last evaluated: 2024-08-10. Review status: criteria provided, single submitter. Criteria: Invitae Variant Classification Sherloc (09022015). Collection method: clinical testing. Allele origin: germline.
Comment: This sequence change affects the initiator methionine of the PMS2 mRNA. The next in-frame methionine is located at codon 136. This variant is not present in population databases (gnomAD no frequency). Disruption of the initiator codon has been observed in individual(s) with clinical features of Lynch syndrome and/or constitutional mismatch repair deficiency syndrome (PMID: 18602922, 23709753, 25980754, 27476653). In at least one individual the data is consistent with being in trans (on the opposite chromosome) from a pathogenic variant. ClinVar contains an entry for this variant (Variation ID: 1429521). For these reasons, this variant has been classified as Pathogenic.

Myriad Genetics, Inc.
Classification: Pathogenic for Lynch syndrome 4. Last evaluated: 2023-09-15. Review status: criteria provided, single submitter. Criteria: Myriad Autosomal Dominant, Autosomal Recessive and X-Linked Classification Criteria (2023). Collection method: clinical testing. Allele origin: unknown.
Comment: This variant is considered pathogenic. This variant is located within the gene translation start codon (p.Met1?) and is predicted to result in abnormal protein translation. This variant has been reported in multiple individuals with clinical features of gene-specific disease [PMID: 30680046, 27476653, 18602922].

Literature cited by the submitters: PubMed 18602922 (cited by Labcorp Genetics (formerly Invitae), Labcorp and Myriad Genetics, Inc.); PubMed 23709753 (cited by Labcorp Genetics (formerly Invitae), Labcorp); PubMed 25980754 (cited by Labcorp Genetics (formerly Invitae), Labcorp); PubMed 27476653 (cited by Labcorp Genetics (formerly Invitae), Labcorp and Myriad Genetics, Inc.); PubMed 30680046 (cited by Myriad Genetics, Inc.).

NM_000535.7(PMS2):c.3G>T (p.Met1Ile)

Gene: PMS2 (PMS1 homolog 2, mismatch repair system component; minus strand). Cytogenetic location: 7p22.1.
Variant type: single nucleotide variant.
Coding change: c.3G>T on transcript NM_000535.7 (MANE Select); coding-DNA position 3, G replaced by T.
Protein change: p.Met1Ile; changes the start codon (methionine 1).
Molecular consequence: missense variant, initiator codon variant. On other transcripts: 5 prime UTR variant (11), non-coding transcript variant (1).
Genome position (GRCh38, 1-based): chr7:6,009,017, C>A on the plus strand (G>T on the coding strand, the complement: PMS2 is on the minus strand). VCF-style: chr7-6009017-C-A. GRCh37 (hg19) VCF-style: chr7-6048648-C-A.
Other names: c.-398G>T (NM_001322003.2, NM_001322013.2); c.-263G>T (NM_001322004.2, NM_001322010.2); c.-593G>T (NM_001322005.2); c.3G>T, p.Met1Ile (NM_001322006.2, NM_001322014.2); c.-213G>T (NM_001322007.2); c.-73G>T (NM_001322008.2); c.-588G>T (NM_001322009.2); c.-882G>T (NM_001322011.2); and 3 more; short protein forms M1I.
Identifiers: ClinVar variation 1429521 (VCV001429521.8), dbSNP rs1554309086, ClinGen allele CA366745249.